The following is an entry in ClinVar:

ClinVar aggregate classification (germline): Uncertain significance (1 of 4 stars; one submission).

Conditions:
Loeys-Dietz syndrome 2 (LDS2). Also called: Marfan syndrome, type 2 (formerly); AORTIC ANEURYSM, FAMILIAL THORACIC 3; MARFAN SYNDROME, TYPE II; TGFBR2-Related Loeys-Dietz Syndrome; Marfan Syndrome type 2; Marfan like connective tissue disorder. Identifiers: Orphanet 284973, Orphanet 558, MedGen C2674574, MONDO:0012427, OMIM 610168.

Allele frequency attached by ClinVar (database versions not stated): gnomAD 0.00001.
gnomAD v4.1: 1 of 1,611,290 alleles (0.000062%); highest among the groups gnomAD compares: African/African-American, 0.0013%; no homozygotes.

Submission:

Labcorp Genetics (formerly Invitae), Labcorp
Classification: Uncertain significance for Loeys-Dietz syndrome 2. Last evaluated: 2021-05-31. Review status: criteria provided, single submitter. Criteria: Invitae Variant Classification Sherloc (09022015). Collection method: clinical testing. Allele origin: germline.
Comment: In summary, the available evidence is currently insufficient to determine the role of this variant in disease. Therefore, it has been classified as a Variant of Uncertain Significance. Algorithms developed to predict the effect of missense changes on protein structure and function are either unavailable or do not agree on the potential impact of this missense change (SIFT: "Deleterious"; PolyPhen-2: "Benign"; Align-GVGD: "Class C0"). This variant has not been reported in the literature in individuals with TMPO-related conditions. This variant is not present in population databases (ExAC no frequency). This sequence change replaces serine with threonine at codon 59 of the TMPO protein (p.Ser59Thr). The serine residue is moderately conserved and there is a small physicochemical difference between serine and threonine.

NM_001032283.3(TMPO):c.176G>C (p.Ser59Thr)

Genes: TMPO (thymopoietin; plus strand), TMPO-AS1 (TMPO antisense RNA 1; minus strand). Cytogenetic location: 12q23.1.
Variant type: single nucleotide variant.
Coding change: c.176G>C on transcript NM_001032283.3 (MANE Select); coding-DNA position 176, G replaced by C.
Protein change: p.Ser59Thr; replaces serine 59 with threonine.
Molecular consequence: missense variant. On other transcripts: non-coding transcript variant (1).
Genome position (GRCh38, 1-based): chr12:98,516,043, G>C. VCF-style: chr12-98516043-G-C. GRCh37 (hg19) VCF-style: chr12-98909821-G-C.
Other names: c.176G>C, p.Ser59Thr (NM_001032284.3, NM_001307975.2, NM_003276.2); short protein forms S59T.
Identifiers: ClinVar variation 1436162 (VCV001436162.8), dbSNP rs987636941, ClinGen allele CA386239590.
Genomic context (GRCh38, chr12:98,516,043, plus strand): 5'-AGCTCTACCTGCAGCACCTCACGGCTCGCAACCGGCCGCCGCTCCCCGCCGGCACCAACA[G>C]CAAGGGGCCCCCGGACTTCTCCAGTGACGAAGAGCGCGAGCCCACCCCGGTCCTCGGCTC-3'
Protein context (NP_001027454.1, residues 49-69): NRPPLPAGTN[Ser59Thr]KGPPDFSSDE